The following is an entry in ClinVar:

ClinVar aggregate classification (germline): Uncertain significance (1 of 4 stars; one submission).

Submission:

GeneDx
Classification: Uncertain significance. Last evaluated: 2025-02-12. Review status: criteria provided, single submitter. Criteria: GeneDx Variant Classification Process June 2021. Collection method: clinical testing. Allele origin: germline. Affected: yes.
Comment: Not observed at significant frequency in large population cohorts (gnomAD); In silico analysis supports that this missense variant has a deleterious effect on protein structure/function; Has not been previously published as pathogenic or benign to our knowledge

NM_000193.4(SHH):c.517G>A (p.Val173Met)

Gene: SHH (sonic hedgehog signaling molecule; minus strand). Cytogenetic location: 7q36.3.
Variant type: single nucleotide variant.
Coding change: c.517G>A on transcript NM_000193.4 (MANE Select); coding-DNA position 517, G replaced by A.
Protein change: p.Val173Met; replaces valine 173 with methionine.
Molecular consequence: missense variant. On other transcripts: non-coding transcript variant (2).
Genome position (GRCh38, 1-based): chr7:155,806,341, C>T on the plus strand (G>A on the coding strand, the complement: SHH is on the minus strand). VCF-style: chr7-155806341-C-T. GRCh37 (hg19) VCF-style: chr7-155599035-C-T.
Other names: c.256G>A, p.Val86Met (NM_001310462.2); short protein forms V173M, V86M.
Identifiers: ClinVar variation 4075654 (VCV004075654.1).